The following is an entry in ClinVar:

ClinVar aggregate classification (germline): Conflicting classifications of pathogenicity. Review status: criteria provided, conflicting classifications (1 of 4 stars). 26 submissions from 22 submitters: Uncertain significance (2); Benign (5); Likely benign (14). 5 of the submissions do not count toward it. Last evaluated 2026-06-01.

Conditions:
Connective tissue disorder. Also called: Connective tissue disease. Identifiers: MedGen C0009782, MONDO:0003900.
Familial thoracic aortic aneurysm and aortic dissection (TAAD). Also called: Thoracic aortic aneurysms and dissections. Identifiers: Orphanet 91387, MedGen C4707243, MONDO:0019625.
Marfan syndrome (MFS). Also called: MARFAN SYNDROME, TYPE I; Marfan syndrome type 1; Marfan's syndrome; Marfan syndrome, classic; FBN1-Related Marfan Syndrome. Identifiers: Orphanet 284963, Orphanet 558, MedGen C0024796, MONDO:0007947, OMIM 154700.
Geleophysic dysplasia. Identifiers: Orphanet 2623, MedGen C3489726, MONDO:0000127.
Acromicric dysplasia (ACMICD). Also called: Acromicric skeletal dysplasia. Identifiers: Orphanet 969, MedGen C0265287, MONDO:0007055, OMIM 102370.
Ectopia lentis 1, isolated, autosomal dominant (ECTOL1). Identifiers: Orphanet 1885, MedGen C3541518, MONDO:0007514, OMIM 129600.
FBN1-related disorder. Also called: FBN1-related disorders.

Allele frequency attached by ClinVar (database versions not stated): 1000 Genomes Project 0.00020; 1000 Genomes Project 30x 0.00031; ESP Exome Variant Server 0.00062; gnomAD 0.00072 and 0.00078; gnomAD exomes 0.00078 and 0.00122; ExAC 0.00079; TOPMed 0.00091.
gnomAD v4.1: 1,869 of 1,613,688 alleles (0.12%); highest among the groups gnomAD compares: Non-Finnish European, 0.15%; 2 homozygotes.

Submissions 1 to 18 of 26:

CeGaT Center for Human Genetics Tuebingen
Classification: Likely benign. Last evaluated: 2026-06-01. Review status: criteria provided, single submitter. Criteria: CeGaT Center For Human Genetics Tuebingen Variant Classification Criteria Version 2. Collection method: clinical testing. Allele origin: germline. Affected: yes. Observed: 13 variant alleles.
Comment: FBN1: BS1

Labcorp Genetics (formerly Invitae), Labcorp
Classification: Likely benign for Marfan syndrome; Familial thoracic aortic aneurysm and aortic dissection. Last evaluated: 2026-02-03. Review status: criteria provided, single submitter. Criteria: Invitae Variant Classification Sherloc (09022015). Collection method: clinical testing. Allele origin: germline.

ARUP Laboratories, Molecular Genetics and Genomics, ARUP Laboratories
Classification: Benign. Last evaluated: 2025-05-26. Review status: criteria provided, single submitter. Criteria: ARUP Molecular Germline Variant Investigation Process 2024. Collection method: clinical testing. Allele origin: germline.

Molecular Diagnostic Laboratory for Inherited Cardiovascular Disease, Montreal Heart Institute
Classification: Likely benign. Last evaluated: 2025-04-09. Review status: criteria provided, single submitter. Criteria: ACMG Guidelines, 2015. Collection method: clinical testing. Allele origin: germline. Affected: no.

All of Us Research Program, National Institutes of Health
Classification: Likely benign for Marfan syndrome. Last evaluated: 2024-09-23. Review status: criteria provided, single submitter. Criteria: ACMG Guidelines, 2015. Collection method: clinical testing. Allele origin: germline. Inheritance: Autosomal dominant inheritance. Observed: 301 variant alleles, 301 heterozygotes.
Comment: This study involves interpretation of variants in research participants for the purpose of population health screening. Participant phenotype was not available at the time of variant classification. Additional details can be found in publication PMID: 35346344, PMCID: PMC8962531

Blueprint Genetics
Classification: Likely benign. Last evaluated: 2024-08-15. Review status: criteria provided, single submitter. Criteria: ACMG Guidelines, 2015. Collection method: clinical testing. Allele origin: germline.

Mendelics
Classification: Benign for Marfan syndrome. Last evaluated: 2023-08-22. Review status: criteria provided, single submitter. Criteria: Mendelics Assertion Criteria 2019. Collection method: clinical testing. Allele origin: germline.

Molecular Genetics, Royal Melbourne Hospital
Classification: Likely benign for Marfan syndrome. Last evaluated: 2023-08-01. Review status: criteria provided, single submitter. Criteria: ACMG Guidelines, 2015. Collection method: clinical testing. Allele origin: germline. Inheritance: Autosomal dominant inheritance.

GeneDx
Classification: Likely benign. Last evaluated: 2021-05-27. Review status: criteria provided, single submitter. Criteria: GeneDx Variant Classification Process June 2021. Collection method: clinical testing. Allele origin: germline. Affected: yes.
Comment: Reported in ClinVar (ClinVar Variant ID#36104; Landrum et al., 2016); In silico analysis, which includes protein predictors and evolutionary conservation, supports that this variant does not alter protein structure/function; This variant is associated with the following publications: (PMID: 25637381, 24941995, 17657824, 17663468, 21883168, 25812041, 24055113, 17253931, 32679894)

Broad Center for Mendelian Genomics, Broad Institute of MIT and Harvard
Classification: Benign. Last evaluated: 2020-01-22. Review status: criteria provided, single submitter. Criteria: ACMG Guidelines, 2015. Collection method: curation. Allele origin: germline.
Comment: This variant has also been reported benign, likely benign, and a VUS in ClinVar (Variation ID: 36104). Computational prediction tools and conservation analyses do not provide strong support for or against an impact to the protein. The p.Val2234Met variant did not segregate with Marfan Syndrome in 4 affected relatives of an individual with the variant, suggesting that this variant is not pathogenic for Marfan Syndrome (PMID: 17663468). Marfan Syndrome has been reported to have high clinical penetrance (PMID: 20301510) and the p.Val2234Met variant has been reported in the literature in at least 4 individuals without Marfan Syndrome, increasing the chance that this variant is benign (PMID: 25812041, 25637381; Variation ID: 36104). Two affected individuals with this variant have an alternative molecular basis for Marfan Syndrome, suggesting that this variant may not be pathogenic (PMID: 17663468; Lazalde et al. 2017). The number of missense variants reported in FBN1 in the general population is lower than expected, suggesting there is little benign variation in this gene and slightly increasing the possibility that a missense variant in this gene may not be tolerated. In summary, this variant meets criteria to be classified as benign for Marfan Syndrome in an autosomal dominant manner based on its frequency in the general population and multiple occurrences in individuals without Marfan Syndrome. ACMG/AMP Criteria applied: BS2, BS4, BS1, BP5 (Richards 2015).

Center for Human Genetics, Inc
Classification: Likely benign for Marfan syndrome. Last evaluated: 2018-06-01. Review status: criteria provided, single submitter. Criteria: ACMG Guidelines, 2015. Collection method: clinical testing. Allele origin: germline. Affected: yes.

Illumina Laboratory Services, Illumina
Classification: Likely benign for Geleophysic dysplasia. Last evaluated: 2018-05-01. Review status: criteria provided, single submitter. Criteria: ICSL Variant Classification Criteria 13 December 2019. Collection method: clinical testing. Allele origin: germline.
Comment: This variant was observed as part of a predisposition screen in an ostensibly healthy population. A literature search was performed for the gene, cDNA change, and amino acid change (where applicable). No publications were found based on this search. Allele frequency data from public databases allowed determination this variant is unlikely to cause disease. Therefore, this variant is classified as likely benign.

Illumina Laboratory Services, Illumina
Classification: Likely benign for Acromicric dysplasia. Last evaluated: 2018-05-01. Review status: criteria provided, single submitter. Criteria: ICSL Variant Classification Criteria 13 December 2019. Collection method: clinical testing. Allele origin: germline.
Comment: the same text as in the submission from Illumina Laboratory Services, Illumina above.

Illumina Laboratory Services, Illumina
Classification: Likely benign for Marfan syndrome. Last evaluated: 2018-05-01. Review status: criteria provided, single submitter. Criteria: ICSL Variant Classification Criteria 13 December 2019. Collection method: clinical testing. Allele origin: germline.
Comment: This variant was observed as part of a predisposition screen in an ostensibly healthy population. A literature search was performed for the gene, cDNA change, and amino acid change (where applicable). Publications were found based on this search. The evidence from the literature, in combination with allele frequency data from public databases where available, was sufficient to determine this variant is unlikely to cause disease. Therefore, this variant is classified as likely benign.

Illumina Laboratory Services, Illumina
Classification: Likely benign for Ectopia lentis 1, isolated, autosomal dominant. Last evaluated: 2018-05-01. Review status: criteria provided, single submitter. Criteria: ICSL Variant Classification Criteria 13 December 2019. Collection method: clinical testing. Allele origin: germline.
Comment: the same text as in the submission from Illumina Laboratory Services, Illumina above.

Color Diagnostics, LLC DBA Color Health
Classification: Likely benign for Familial thoracic aortic aneurysm and aortic dissection. Last evaluated: 2018-04-26. Review status: criteria provided, single submitter. Criteria: ACMG Guidelines, 2015. Collection method: clinical testing. Allele origin: germline.

CHEO Genetics Diagnostic Laboratory, Children's Hospital of Eastern Ontario
Classification: Benign for Familial thoracic aortic aneurysm and aortic dissection. Last evaluated: 2018-03-22. Review status: criteria provided, single submitter. Criteria: ACMG Guidelines, 2015. Collection method: clinical testing. Allele origin: germline.

Eurofins Ntd Llc (ga)
Classification: Uncertain significance. Last evaluated: 2017-01-11. Review status: criteria provided, single submitter. Criteria: EGL Classification Definitions 2015. Collection method: clinical testing. Allele origin: germline. Observed: 2 variant alleles, 2 heterozygotes.

NM_000138.5(FBN1):c.6700G>A (p.Val2234Met)

Gene: FBN1 (fibrillin 1; minus strand). Cytogenetic location: 15q21.1.
Variant type: single nucleotide variant.
Coding change: c.6700G>A on transcript NM_000138.5 (MANE Select); coding-DNA position 6700, G replaced by A.
Protein change: p.Val2234Met; replaces valine 2234 with methionine.
Molecular consequence: missense variant.
Genome position (GRCh38, 1-based): chr15:48,432,905, C>T on the plus strand (G>A on the coding strand, the complement: FBN1 is on the minus strand). VCF-style: chr15-48432905-C-T. GRCh37 (hg19) VCF-style: chr15-48725102-C-T.
Other names: p.V2234M:GTG>ATG; short protein forms V2234M.
Identifiers: ClinVar variation 36104 (VCV000036104.119), dbSNP rs112084407, ClinGen allele CA016669.